The following is an entry in ClinVar:

NM_003242.6(TGFBR2):c.1319A>G (p.Glu440Gly)

Gene: TGFBR2 (transforming growth factor beta receptor 2; plus strand). Cytogenetic location: 3p24.1.
Variant type: single nucleotide variant.
Coding change: c.1319A>G on transcript NM_003242.6 (MANE Select); coding-DNA position 1319, A replaced by G.
Protein change: p.Glu440Gly; replaces glutamic acid 440 with glycine.
Molecular consequence: missense variant. On other transcripts: intron variant (1).
Genome position (GRCh38, 1-based): chr3:30,674,169, A>G. VCF-style: chr3-30674169-A-G. GRCh37 (hg19) VCF-style: chr3-30715661-A-G.
Other names: c.1394A>G, p.Glu465Gly (NM_001024847.3); c.1502A>G, p.Glu501Gly (NM_001407126.1); c.1427A>G, p.Glu476Gly (NM_001407127.1); c.1346A>G, p.Glu449Gly (NM_001407128.1); c.1322A>G, p.Glu441Gly (NM_001407129.1); c.1319A>G, p.Glu440Gly (NM_001407130.1); c.1214A>G, p.Glu405Gly (NM_001407132.1, NM_001407133.1, NM_001407134.1 and 2 more transcripts); c.1034A>G, p.Glu345Gly (NM_001407137.1); and 2 more; short protein forms E320G, E440G, E449G, E501G, E345G, E405G, E441G, E465G.
Identifiers: ClinVar variation 3635620 (VCV003635620.2).

ClinVar aggregate classification (germline): Uncertain significance (1 of 4 stars; one submission).

Conditions:
Familial thoracic aortic aneurysm and aortic dissection (TAAD). Also called: Thoracic aortic aneurysms and dissections. Identifiers: Orphanet 91387, MedGen C4707243, MONDO:0019625.

Submission:

Labcorp Genetics (formerly Invitae), Labcorp
Classification: Uncertain significance for Familial thoracic aortic aneurysm and aortic dissection. Last evaluated: 2025-09-23. Review status: criteria provided, single submitter. Criteria: Invitae Variant Classification Sherloc (09022015). Collection method: clinical testing. Allele origin: germline.
Comment: This sequence change replaces glutamic acid, which is acidic and polar, with glycine, which is neutral and non-polar, at codon 440 of the TGFBR2 protein (p.Glu440Gly). This variant is not present in population databases (gnomAD no frequency). This variant has not been reported in the literature in individuals affected with TGFBR2-related conditions. ClinVar contains an entry for this variant (Variation ID: 3635620). Invitae Evidence Modeling of protein sequence and biophysical properties (such as structural, functional, and spatial information, amino acid conservation, physicochemical variation, residue mobility, and thermodynamic stability) has been performed for this missense variant. However, the output from this modeling did not meet the statistical confidence thresholds required to predict the impact of this variant on TGFBR2 protein function. In summary, the available evidence is currently insufficient to determine the role of this variant in disease. Therefore, it has been classified as a Variant of Uncertain Significance.